The following is an entry in ClinVar:

ClinVar aggregate classification (germline): Uncertain significance (1 of 4 stars; one submission).

Submission:

Labcorp Genetics (formerly Invitae), Labcorp
Classification: Uncertain significance. Last evaluated: 2025-08-31. Review status: criteria provided, single submitter. Criteria: Invitae Variant Classification Sherloc (09022015). Collection method: clinical testing. Allele origin: germline.
Comment: This sequence change replaces glycine, which is neutral and non-polar, with arginine, which is basic and polar, at codon 245 of the LOR protein (p.Gly245Arg). This variant is not present in population databases (gnomAD no frequency). This variant has not been reported in the literature in individuals affected with LOR-related conditions. Experimental studies and prediction algorithms are not available or were not evaluated, and the functional significance of this variant is currently unknown. In summary, the available evidence is currently insufficient to determine the role of this variant in disease. Therefore, it has been classified as a Variant of Uncertain Significance.

NM_000427.3(LORICRIN):c.733G>A (p.Gly245Arg)

Gene: LORICRIN (loricrin cornified envelope precursor protein; plus strand). Cytogenetic location: 1q21.3.
Variant type: single nucleotide variant.
Coding change: c.733G>A on transcript NM_000427.3 (MANE Select); coding-DNA position 733, G replaced by A.
Protein change: p.Gly245Arg; replaces glycine 245 with arginine.
Molecular consequence: missense variant.
Genome position (GRCh38, 1-based): chr1:153,261,682, G>A. VCF-style: chr1-153261682-G-A. GRCh37 (hg19) VCF-style: chr1-153234158-G-A.
Other names: short protein forms G245R.
Identifiers: ClinVar variation 4697540 (VCV004697540.1).